The following is an entry in ClinVar:

NM_000287.4(PEX6):c.235G>A (p.Ala79Thr)

Gene: PEX6 (peroxisomal biogenesis factor 6; minus strand). Cytogenetic location: 6p21.1.
Variant type: single nucleotide variant.
Coding change: c.235G>A on transcript NM_000287.4 (MANE Select); coding-DNA position 235, G replaced by A.
Protein change: p.Ala79Thr; replaces alanine 79 with threonine.
Molecular consequence: missense variant. On other transcripts: non-coding transcript variant (1).
Genome position (GRCh38, 1-based): chr6:42,978,916, C>T on the plus strand (G>A on the coding strand, the complement: PEX6 is on the minus strand). VCF-style: chr6-42978916-C-T. GRCh37 (hg19) VCF-style: chr6-42946654-C-T.
Other names: c.235G>A, p.Ala79Thr (NM_001316313.2); short protein forms A79T.
Identifiers: ClinVar variation 794739 (VCV000794739.19), dbSNP rs61752141, ClinGen allele CA138238588.

ClinVar aggregate classification (germline): Conflicting classifications of pathogenicity. Review status: criteria provided, conflicting classifications (1 of 4 stars). 5 submissions from 5 submitters: Uncertain significance (2); Likely benign (2). 1 of the submissions does not count toward it. Last evaluated 2026-07-14.

Conditions:
Peroxisome biogenesis disorder 4A (Zellweger) (PBD4A). Also called: Zellweger syndrome spectrum (PEX6-related). Identifiers: Orphanet 912, MedGen C3553936, MONDO:0013930, OMIM 614862. Disease mechanism: loss of function.
PEX6-related disorder. Also called: PEX6-related disorders; PEX6-related condition.
Peroxisome biogenesis disorder. Identifiers: Orphanet 79189, MedGen C1832200, MONDO:0019234. Disease mechanism: loss of function.
Inborn genetic diseases. Identifiers: MedGen C0950123, MeSH D030342.

Allele frequency attached by ClinVar (database versions not stated): TOPMed 0.00012.
gnomAD v4.1: 337 of 1,486,376 alleles (0.023%); highest among the groups gnomAD compares: Non-Finnish European, 0.0072%; no homozygotes.

Submissions (5):

Ambry Genetics
Classification: Likely benign for Inborn genetic diseases. Last evaluated: 2026-07-14. Review status: criteria provided, single submitter. Criteria: Ambry Variant Classification Scheme 2023. Collection method: clinical testing. Allele origin: germline.

Labcorp Genetics (formerly Invitae), Labcorp
Classification: Likely benign for Peroxisome biogenesis disorder. Last evaluated: 2026-01-16. Review status: criteria provided, single submitter. Criteria: Invitae Variant Classification Sherloc (09022015). Collection method: clinical testing. Allele origin: germline.

Blueprint Genetics
Classification: Uncertain significance. Last evaluated: 2024-09-04. Review status: criteria provided, single submitter. Criteria: ACMG Guidelines, 2015. Collection method: clinical testing. Allele origin: germline.

Illumina Laboratory Services, Illumina
Classification: Uncertain significance for Peroxisome biogenesis disorder 4A (Zellweger). Last evaluated: 2017-04-28. Review status: criteria provided, single submitter. Criteria: ICSL Variant Classification Criteria 13 December 2019. Collection method: clinical testing. Allele origin: germline.

PreventionGenetics, part of Exact Sciences
Classification: Likely benign for PEX6-related condition. Last evaluated: 2023-04-26. Review status: no assertion criteria provided. Collection method: clinical testing. Allele origin: germline. Not counted in ClinVar's aggregate classification.
Comment: This variant is classified as likely benign based on ACMG/AMP sequence variant interpretation guidelines (Richards et al. 2015 PMID: 25741868, with internal and published modifications).

Literature cited by the submitters: PubMed 28106320 (cited by Ambry Genetics).